The following is an entry in ClinVar:

NM_014408.5(TRAPPC3):c.184C>T (p.Arg62Trp)

Gene: TRAPPC3 (trafficking protein particle complex subunit 3; minus strand). Cytogenetic location: 1p34.3.
Variant type: single nucleotide variant.
Coding change: c.184C>T on transcript NM_014408.5 (MANE Select); coding-DNA position 184, C replaced by T.
Protein change: p.Arg62Trp; replaces arginine 62 with tryptophan.
Molecular consequence: missense variant. On other transcripts: intron variant (1).
Genome position (GRCh38, 1-based): chr1:36,139,776, G>A on the plus strand (C>T on the coding strand, the complement: TRAPPC3 is on the minus strand). VCF-style: chr1-36139776-G-A. GRCh37 (hg19) VCF-style: chr1-36605377-G-A.
Other names: c.208C>T, p.Arg70Trp (NM_001270894.2); c.46C>T, p.Arg16Trp (NM_001270895.2, NM_001270896.2); c.43-1798C>T (NM_001270897.2); short protein forms R70W, R16W, R62W.
Identifiers: ClinVar variation 266073 (VCV000266073.1), dbSNP rs751375244, ClinGen allele CA765333.

ClinVar aggregate classification (germline): Likely pathogenic (0 of 4 stars; one submission).

Conditions:
Bardet-Biedl syndrome (BBS). Identifiers: Orphanet 110, MedGen C0752166, MONDO:0015229.

Allele frequency attached by ClinVar (database versions not stated): gnomAD exomes 0.00001; TOPMed 0.00001; ExAC 0.00002; gnomAD 0.00003 and 0.00004.
gnomAD v4.1: 27 of 1,613,966 alleles (0.0017%); highest among the groups gnomAD compares: East Asian, 0.0045%; no homozygotes.

Submission:

Genomic Medicine Center of Excellence, King Faisal Specialist Hospital and Research Centre
Classification: Likely pathogenic for Bardet-Biedl syndrome. Review status: no assertion criteria provided. Collection method: research. Allele origin: germline. Affected: yes. Observed: 2 homozygotes. Clinical features observed: Obesity, DD, poor vision, polydactyly.
Comment: Autozygosity mapping, the only segregating variant in the exome. TRAPPC3 (part of transport protein particle (TRAPP) II complex, and a novel candidate gene for BBS in this study) has been shown to be required for ciliogenesis in RPE cells (Schou et al. 2014). TRAP II complex has also been shown to bind Rabin8 and target it to the centrosome as a pre-requisite step for cilioagenesis (Westlake et al. 2011). Rabin8 is known to associate with BBSome and its knockdown in zebrafish recapitulates the BBS phenotypic readouts in this model system (Nachury et al. 2007; Westlake et al. 2011).